The following is an entry in ClinVar:

NM_001039591.3(USP9X):c.6210G>A (p.Trp2070Ter)

Gene: USP9X (ubiquitin specific peptidase 9 X-linked; plus strand). Cytogenetic location: Xp11.4.
Variant type: single nucleotide variant.
Coding change: c.6210G>A on transcript NM_001039591.3 (MANE Select); coding-DNA position 6210, G replaced by A.
Protein change: p.Trp2070Ter; replaces tryptophan 2070 with a stop codon.
Molecular consequence: nonsense.
Genome position (GRCh38, 1-based): chrX:41,218,372, G>A. VCF-style: chrX-41218372-G-A. GRCh37 (hg19) VCF-style: chrX-41077625-G-A.
Other names: c.6210G>A, p.Trp2070Ter (NM_001039590.3); c.6225G>A, p.Trp2075Ter (NM_001410748.1, NM_001410749.1, NM_001437534.1); short protein forms W2070*, W2075*.
Identifiers: ClinVar variation 4856407 (VCV004856407.1).
Genomic context (GRCh38, chrX:41,218,372, plus strand): 5'-TTTTACTATAGAGAACAAGTTATTGACTTAATAGTCATAGGTTTTTTTGTTTTATTTTAG[G>A]TATGATGCATTGTGTATTCTCCTTCGTCACAGCAAGAATGTACGTTTTTGGTTTGCTCAT-3'

ClinVar aggregate classification (germline): Pathogenic (1 of 4 stars; one submission).

Conditions:
Intellectual developmental disorder, X-linked 99, syndromic, female-restricted. Also called: Intellectual disability, X-linked 99, syndromic, female-restricted. Identifiers: MedGen C4225416, MONDO:0010502, OMIM 300968.

Submission:

Gansu Provincial Maternity and Child Care Hospital
Classification: Pathogenic for Intellectual developmental disorder, X-linked 99, syndromic, female-restricted. Last evaluated: 2026-06-02. Review status: criteria provided, single submitter. Criteria: ACMG Guidelines, 2015. Collection method: clinical testing. Allele origin: de novo. Inheritance: X-linked dominant inheritance. Affected: yes.
Comment: The c.6210G>A variant is a nonsense variant (PVS1). Parental verification confirmed it as a de novo variant (PS2). This site is not recorded in the gnomAD database (PM2_supporting).This variant is classified as pathogenic.